The following is an entry in ClinVar:

ClinVar aggregate classification (germline): Uncertain significance. Review status: criteria provided, multiple submitters, no conflicts (2 of 4 stars). 2 submissions from 2 submitters: Uncertain significance (2). Last evaluated 2025-04-10.

Conditions:
Hereditary cancer-predisposing syndrome. Also called: Hereditary neoplastic syndrome; Neoplastic Syndromes, Hereditary; Tumor predisposition; Hereditary Cancer Syndrome. Identifiers: Orphanet 140162, MedGen C0027672, MeSH D009386, MONDO:0015356.
Familial adenomatous polyposis 1 (FAP1). Also called: POLYPOSIS, ADENOMATOUS INTESTINAL; FAMILIAL ADENOMATOUS POLYPOSIS 1, ATTENUATED. Identifiers: MedGen C2713442, MONDO:0021056, OMIM 175100. Disease mechanism: loss of function.

Submissions (2):

Ambry Genetics
Classification: Uncertain significance for Hereditary cancer-predisposing syndrome. Last evaluated: 2025-04-10. Review status: criteria provided, single submitter. Criteria: Ambry Variant Classification Scheme 2023. Collection method: clinical testing. Allele origin: germline.
Comment: The p.Q8R variant (also known as c.23A>G), located in coding exon 1 of the APC gene, results from an A to G substitution at nucleotide position 23. The glutamine at codon 8 is replaced by arginine, an amino acid with highly similar properties. This amino acid position is highly conserved in available vertebrate species. In addition, in silico predictors for this gene do not accurately predict pathogenicity. Since supporting evidence is limited at this time, the clinical significance of this alteration remains unclear.

Labcorp Genetics (formerly Invitae), Labcorp
Classification: Uncertain significance for Familial adenomatous polyposis 1. Last evaluated: 2023-06-11. Review status: criteria provided, single submitter. Criteria: Invitae Variant Classification Sherloc (09022015). Collection method: clinical testing. Allele origin: germline.
Comment: This variant is not present in population databases (gnomAD no frequency). In summary, the available evidence is currently insufficient to determine the role of this variant in disease. Therefore, it has been classified as a Variant of Uncertain Significance. Advanced modeling of protein sequence and biophysical properties (such as structural, functional, and spatial information, amino acid conservation, physicochemical variation, residue mobility, and thermodynamic stability) performed at Invitae indicates that this missense variant is not expected to disrupt APC protein function. ClinVar contains an entry for this variant (Variation ID: 836463). This variant has not been reported in the literature in individuals affected with APC-related conditions. This sequence change replaces glutamine, which is neutral and polar, with arginine, which is basic and polar, at codon 8 of the APC protein (p.Gln8Arg).

NM_000038.6(APC):c.23A>G (p.Gln8Arg)

Gene: APC (APC regulator of Wnt signaling pathway; plus strand). Cytogenetic location: 5q22.2.
Variant type: single nucleotide variant.
Coding change: c.23A>G on transcript NM_000038.6 (MANE Select); coding-DNA position 23, A replaced by G.
Protein change: p.Gln8Arg; replaces glutamine 8 with arginine.
Molecular consequence: missense variant. On other transcripts: 5 prime UTR variant (1), intron variant (8).
Genome position (GRCh38, 1-based): chr5:112,754,913, A>G. VCF-style: chr5-112754913-A-G. GRCh37 (hg19) VCF-style: chr5-112090610-A-G.
Other names: c.23A>G, p.Gln8Arg (NM_001127510.3, NM_001354895.2, NM_001354896.2 and 2 more transcripts); c.-1013A>G (NM_001354906.2); c.166-11413A>G (NM_001354897.2, NM_001354902.2, NM_001127511.3); c.61-11413A>G (NM_001354898.2, NM_001354904.2); c.-42-11413A>G (NM_001354900.2, NM_001354901.2, NM_001354905.2); short protein forms Q8R.
Identifiers: ClinVar variation 836463 (VCV000836463.12), dbSNP rs1754782964, ClinGen allele CA16021385.